The following is an entry in ClinVar:

NM_001042492.3(NF1):c.1532C>T (p.Pro511Leu)

Gene: NF1 (neurofibromin 1; plus strand). Cytogenetic location: 17q11.2.
Variant type: single nucleotide variant.
Coding change: c.1532C>T on transcript NM_001042492.3 (MANE Select); coding-DNA position 1532, C replaced by T.
Protein change: p.Pro511Leu; replaces proline 511 with leucine.
Molecular consequence: missense variant.
Genome position (GRCh38, 1-based): chr17:31,219,009, C>T. VCF-style: chr17-31219009-C-T. GRCh37 (hg19) VCF-style: chr17-29546027-C-T.
Other names: c.1532C>T, p.Pro511Leu (NM_000267.4, NM_001128147.3); short protein forms P511L.
Identifiers: ClinVar variation 3879104 (VCV003879104.1).
Genomic context (GRCh38, chr17:31,219,009, plus strand): 5'-TAATCTCTCTCGATTTATTTATTTTTTTAATTGAAGTTTCCTTTTTTTCCTTGCAGAATC[C>T]AAGAAAACAGGGGCCCGAAACCCAAGGCAGTACAGCAGAATTAATTACAGGGCTCGTCCA-3'
Protein context (NP_001035957.1, residues 501-521): HADPKLLLCN[Pro511Leu]RKQGPETQGS

ClinVar aggregate classification (germline): Uncertain significance (1 of 4 stars; one submission).

Conditions:
Cardiovascular phenotype. Identifiers: MedGen CN230736.
Hereditary cancer-predisposing syndrome. Also called: Tumor predisposition; Neoplastic Syndromes, Hereditary; Hereditary Cancer Syndrome; Hereditary neoplastic syndrome. Identifiers: Orphanet 140162, MedGen C0027672, MeSH D009386, MONDO:0015356.

Submission:

Ambry Genetics
Classification: Uncertain significance for Cardiovascular phenotype; Hereditary cancer-predisposing syndrome. Last evaluated: 2025-02-13. Review status: criteria provided, single submitter. Criteria: Ambry Variant Classification Scheme 2023. Collection method: clinical testing. Allele origin: germline.
Comment: The p.P511L variant (also known as c.1532C>T), located in coding exon 14 of the NF1 gene, results from a C to T substitution at nucleotide position 1532. The proline at codon 511 is replaced by leucine, an amino acid with similar properties. This amino acid position is conserved. In addition, the in silico prediction for this alteration is inconclusive. Based on the available evidence, the clinical significance of this variant remains unclear.